The following is an entry in ClinVar:

ClinVar aggregate classification (germline): Benign/Likely benign. Review status: criteria provided, multiple submitters, no conflicts (2 of 4 stars). 3 submissions from 3 submitters: Benign (1); Likely benign (2). Last evaluated 2026-08-04.

Conditions:
Hereditary cancer-predisposing syndrome. Also called: Hereditary neoplastic syndrome; Neoplastic Syndromes, Hereditary; Tumor predisposition; Hereditary Cancer Syndrome. Identifiers: Orphanet 140162, MedGen C0027672, MeSH D009386, MONDO:0015356.
Pheochromocytoma/paraganglioma syndrome 2. Also called: GLOMUS TUMORS, FAMILIAL, 2; Paragangliomas 2; SDHAF2-Related Hereditary Paraganglioma-Pheochromocytoma Syndrome (Paragangliomas 2); SDHAF2-Related Hereditary Paraganglioma-Pheochromocytoma Syndrome. Identifiers: Orphanet 29072, MedGen C1866552, MONDO:0011121, OMIM 601650.
Hereditary pheochromocytoma and paraganglioma. Also called: Hereditary Paraganglioma-Pheochromocytoma Syndromes; Hereditary pheochromocytoma-paraganglioma; Hereditary paragangliomas and pheochromocytomas. Identifiers: Orphanet 29072, MedGen C4274332, MONDO:0017366.

Allele frequency attached by ClinVar (database versions not stated): TOPMed below 0.00001.

Submissions (3):

Myriad Genetics, Inc.
Classification: Benign for Pheochromocytoma/paraganglioma syndrome 2. Last evaluated: 2026-08-04. Review status: criteria provided, single submitter. Criteria: Myriad Autosomal Dominant, Autosomal Recessive and X-Linked Classification Criteria (2023). Collection method: clinical testing. Allele origin: unknown.
Comment: This variant is considered benign. This variant is a silent/synonymous amino acid change and it is not expected to impact splicing.

Labcorp Genetics (formerly Invitae), Labcorp
Classification: Likely benign for Hereditary pheochromocytoma and paraganglioma. Last evaluated: 2023-08-01. Review status: criteria provided, single submitter. Criteria: Invitae Variant Classification Sherloc (09022015). Collection method: clinical testing. Allele origin: germline.

Ambry Genetics
Classification: Likely benign for Hereditary cancer-predisposing syndrome. Last evaluated: 2022-04-08. Review status: criteria provided, single submitter. Criteria: Ambry Variant Classification Scheme 2023. Collection method: clinical testing. Allele origin: germline.

NM_017841.4(SDHAF2):c.33G>T (p.Ser11=)

Gene: SDHAF2 (succinate dehydrogenase complex assembly factor 2; plus strand). Cytogenetic location: 11q12.2.
Variant type: single nucleotide variant.
Coding change: c.33G>T on transcript NM_017841.4 (MANE Select); coding-DNA position 33, G replaced by T.
Protein change: p.Ser11=; no amino-acid change (serine 11 retained).
Molecular consequence: synonymous variant.
Genome position (GRCh38, 1-based): chr11:61,430,179, G>T. VCF-style: chr11-61430179-G-T. GRCh37 (hg19) VCF-style: chr11-61197651-G-T.
Identifiers: ClinVar variation 1731051 (VCV001731051.8), dbSNP rs1467342573, ClinGen allele CA474519180.